The following is an entry in ClinVar:

ClinVar aggregate classification (germline): Pathogenic/Likely pathogenic. Review status: criteria provided, multiple submitters, no conflicts (2 of 4 stars). 3 submissions from 3 submitters: Pathogenic (1); Likely pathogenic (1). 1 of the submissions does not count toward it. Last evaluated 2026-01-12.

Conditions:
Tay-Sachs disease (TSD). Also called: HEXA Disorders; HEXA DEFICIENCY; Hexosaminidase A Deficiency; GM2 gangliosidosis, type 1; Hexosaminidase alpha-subunit deficiency (variant B); Sphingolipidosis, Tay-Sachs. Identifiers: Orphanet 845, MedGen C0039373, MONDO:0010100, OMIM 272800.

Allele frequency attached by ClinVar (database versions not stated): ExAC 0.00001; gnomAD 0.00001.

Submissions (3):

Labcorp Genetics (formerly Invitae), Labcorp
Classification: Pathogenic for Tay-Sachs disease. Last evaluated: 2026-01-12. Review status: criteria provided, single submitter. Criteria: Invitae Variant Classification Sherloc (09022015). Collection method: clinical testing. Allele origin: germline.
Comment: This sequence change replaces histidine, which is basic and polar, with tyrosine, which is neutral and polar, at codon 179 of the HEXA protein (p.His179Tyr). This variant is not present in population databases (gnomAD no frequency). This missense change has been observed in individual(s) with Tay-Sachs disease (PMID: 22789865). ClinVar contains an entry for this variant (Variation ID: 551323). Invitae Evidence Modeling of protein sequence and biophysical properties (such as structural, functional, and spatial information, amino acid conservation, physicochemical variation, residue mobility, and thermodynamic stability) indicates that this missense variant is expected to disrupt HEXA protein function with a positive predictive value of 95%. This variant disrupts the p.His179 amino acid residue in HEXA. Other variant(s) that disrupt this residue have been determined to be pathogenic (PMID: 22789865). This suggests that this residue is clinically significant, and that variants that disrupt this residue are likely to be disease-causing. For these reasons, this variant has been classified as Pathogenic.

Natera, Inc.
Classification: Likely pathogenic for Tay-Sachs disease. Last evaluated: 2025-11-05. Review status: criteria provided, single submitter. Criteria: Natera Variant Classification Schema (03/2026). Collection method: clinical testing. Allele origin: germline.
Comment: The c.535C>T variant in HEXA is a missense variant predicted to cause substitution of histidine to tyrosine at amino acid 179. This variant is rare in the general population with a frequency below the threshold expected for the associated phenotype(s). This variant has been observed in one or more individuals affected with the associated recessive disease, as either homozygous or compound heterozygous with a second variant (PMID: 22789865). A different variant at the same position has been determined to be Pathogenic or Likely Pathogenic. Computational prediction algorithms indicate this variant is likely to affect gene or protein function. Given the available evidence, this variant is classified as Likely Pathogenic.

Counsyl
Classification: Uncertain significance for Tay-Sachs disease. Last evaluated: 2017-03-30. Review status: no assertion criteria provided. Collection method: clinical testing. Allele origin: unknown. Not counted in ClinVar's aggregate classification.

Literature cited by the submitters: PubMed 22789865 (cited by 3 submitters).

NM_000520.6(HEXA):c.535C>T (p.His179Tyr)

Gene: HEXA (hexosaminidase subunit alpha; minus strand). Cytogenetic location: 15q23.
Variant type: single nucleotide variant.
Coding change: c.535C>T on transcript NM_000520.6 (MANE Select); coding-DNA position 535, C replaced by T.
Protein change: p.His179Tyr; replaces histidine 179 with tyrosine.
Molecular consequence: missense variant. On other transcripts: non-coding transcript variant (1).
Genome position (GRCh38, 1-based): chr15:72,353,103, G>A on the plus strand (C>T on the coding strand, the complement: HEXA is on the minus strand). VCF-style: chr15-72353103-G-A. GRCh37 (hg19) VCF-style: chr15-72645444-G-A.
Other names: c.535C>T (NM_000520.5); c.568C>T, p.His190Tyr (NM_001318825.2); short protein forms H179Y, H190Y.
Identifiers: ClinVar variation 551323 (VCV000551323.4), dbSNP rs781493030, ClinGen allele CA7644976.